The following is an entry in ClinVar:

NM_001374385.1(ATP8B1):c.2014_2015del (p.Lys672fs)

Gene: ATP8B1 (ATPase phospholipid transporting 8B1; minus strand). Cytogenetic location: 18q21.31.
Variant type: Deletion.
Coding change: c.2014_2015del on transcript NM_001374385.1 (MANE Select); coding-DNA positions 2014 to 2015, 2 bases deleted (AA; older notation c.2014_2015delAA).
Protein change: p.Lys672fs; shifts the reading frame from lysine 672.
Molecular consequence: frameshift variant.
Genome position (GRCh38, 1-based): chr18:57,669,400-57,669,401, TT deleted on the plus strand (AA on the coding strand, the reverse complement: ATP8B1 is on the minus strand); deleting any 2 consecutive bases within chr18:57,669,400-57,669,404 gives the same sequence; the c. name uses the placement nearest the transcript's 3' end. VCF-style (leftmost placement, unchanged base first): chr18-57669399-CTT-C. GRCh37 (hg19) VCF-style: chr18-55336631-CTT-C.
Other names: c.1864_1865del, p.Lys622fs (NM_001374386.1); c.2014_2015del, p.Lys672fs (NM_005603.6); short protein forms K622fs, K672fs.
Identifiers: ClinVar variation 4846239 (VCV004846239.1).

ClinVar aggregate classification (germline): Pathogenic (1 of 4 stars; one submission).

Conditions:
Familial intrahepatic cholestasis. Identifiers: Orphanet 284385, MedGen CN296401, MONDO:0017290.

Submission:

Genomenon, Inc
Classification: Pathogenic for Familial intrahepatic cholestasis. Last evaluated: 2026-04-14. Review status: criteria provided, single submitter. Criteria: Genomenon Sequence Variant Interpretation Standards - Updated. Collection method: curation. Allele origin: germline. Affected: yes.
Comment: ATP8B1 p.Lys672ValfsTer17 (c.2014_2015del) is a frameshift variant that results in the production of a truncated protein which is predicted to undergo nonsense-mediated mRNA decay. This variant has been observed in at least one proband with features of ATP8B1-deficiency (PMID:27050426). It is absent or not present at a significant frequency in gnomAD. In conclusion, we classify ATP8B1 p.Lys672ValfsTer17 (c.2014_2015del) as a pathogenic variant.

Literature cited by the submitters: PubMed 27050426.